The following is an entry in ClinVar:

ClinVar aggregate classification (germline): Uncertain significance. Review status: criteria provided, multiple submitters, no conflicts (2 of 4 stars). 6 submissions from 3 submitters: Uncertain significance (6). Last evaluated 2019-06-21.

Conditions:
Diabetes mellitus, transient neonatal, 2 (TNDM2). Identifiers: Orphanet 99886, MedGen C1835887, MONDO:0012480, OMIM 610374. Disease mechanism: loss of function.
Hyperinsulinemic hypoglycemia, familial, 1 (HHF1). Also called: HYPERINSULINISM, FAMILIAL, WITH PANCREATIC NESIDIOBLASTOSIS; HYPOGLYCEMIA, HYPERINSULINEMIC, OF INFANCY; Persistent hyperinsulinemic hypoglycemia of infancy; NESIDIOBLASTOSIS OF PANCREAS; Persistent Hyperinsulinemia Hypoglycemia of Infancy. Identifiers: Orphanet 276575, Orphanet 276598, MedGen C2931832, MONDO:0009734, OMIM 256450.
Maturity-onset diabetes of the young (MODY). Also called: Maturity onset diabetes mellitus in young. Identifiers: Orphanet 552, MedGen C0342276, MONDO:0018911, HP:0004904.
Permanent neonatal diabetes mellitus (PNDM). Identifiers: Orphanet 99885, MedGen C1833104, MONDO:0100164, MONDO:0011643. Disease mechanism: gain of function.
Transitory neonatal diabetes mellitus. Also called: Transient neonatal diabetes mellitus. Identifiers: MedGen C0342273, MONDO:0020525, HP:0008255.

Allele frequency attached by ClinVar (database versions not stated): gnomAD 0.00001; TOPMed below 0.00001.
gnomAD v4.1: 2 of 1,613,602 alleles (0.00012%); highest among the groups gnomAD compares: East Asian, 0.0022%; no homozygotes.

Submissions (6):

Blueprint Genetics
Classification: Uncertain significance. Last evaluated: 2019-06-21. Review status: criteria provided, single submitter. Criteria: ACMG Guidelines, 2015. Collection method: clinical testing. Allele origin: germline.

Illumina Laboratory Services, Illumina
Classification: Uncertain significance for Permanent neonatal diabetes mellitus 1. Last evaluated: 2018-01-13. Review status: criteria provided, single submitter. Criteria: ICSL Variant Classification Criteria 13 December 2019. Collection method: clinical testing. Allele origin: germline.

Illumina Laboratory Services, Illumina
Classification: Uncertain significance for Hyperinsulinemic hypoglycemia, familial, 1. Last evaluated: 2018-01-13. Review status: criteria provided, single submitter. Criteria: ICSL Variant Classification Criteria 13 December 2019. Collection method: clinical testing. Allele origin: germline.

Illumina Laboratory Services, Illumina
Classification: Uncertain significance for Diabetes mellitus, transient neonatal, 2. Last evaluated: 2018-01-13. Review status: criteria provided, single submitter. Criteria: ICSL Variant Classification Criteria 13 December 2019. Collection method: clinical testing. Allele origin: germline.

Clinical Genomics, Uppaluri K&H Personalized Medicine Clinic
Classification: Uncertain significance for Maturity-onset diabetes of the young. Review status: criteria provided, single submitter. Criteria: K & H Uppaluri Personalized Medicine Clinic Variant Classification & Assertion Criteria_Updated V.1. Collection method: research. Allele origin: unknown. Inheritance: Somatic mutation.
Comment: Mutations in ABCC8 gene are associated with both neonatal diabetes mellitus as well as MODY. Patients with this mutation may have a better response to sulfonylureas. However, no sufficient evidence is found to ascertain the role of this particular variant (rs886048054) in MODY yet.

Clinical Genomics, Uppaluri K&H Personalized Medicine Clinic
Classification: Uncertain significance for Transitory neonatal diabetes mellitus. Review status: criteria provided, single submitter. Criteria: K & H Uppaluri Personalized Medicine Clinic Variant Classification & Assertion Criteria_Updated V.1. Collection method: research. Allele origin: unknown. Inheritance: Somatic mutation.
Comment: Mutations in ABCC8 gene are associated with both neonatal diabetes mellitus as well as MODY. Patients with this mutation may have a better response to sulfonylureas. However, no sufficient evidence is found to ascertain the role of this particular variant (rs886048054) in neonatal diabetes yet.

Literature cited by the submitters: PubMed 16885549 (cited by Clinical Genomics, Uppaluri K&H Personalized Medicine Clinic); PubMed 21989597 (cited by Clinical Genomics, Uppaluri K&H Personalized Medicine Clinic); PubMed 27538677 (cited by Clinical Genomics, Uppaluri K&H Personalized Medicine Clinic); PubMed 18981553 (cited by Clinical Genomics, Uppaluri K&H Personalized Medicine Clinic); PubMed 32027066 (cited by Clinical Genomics, Uppaluri K&H Personalized Medicine Clinic); PubMed 16613899 (cited by Clinical Genomics, Uppaluri K&H Personalized Medicine Clinic); PubMed 18025408 (cited by Clinical Genomics, Uppaluri K&H Personalized Medicine Clinic); PubMed 32792356 (cited by Clinical Genomics, Uppaluri K&H Personalized Medicine Clinic).

NM_000352.6(ABCC8):c.1613T>C (p.Ile538Thr)

Gene: ABCC8 (ATP binding cassette subfamily C member 8; minus strand). Cytogenetic location: 11p15.1.
Variant type: single nucleotide variant.
Coding change: c.1613T>C on transcript NM_000352.6 (MANE Select); coding-DNA position 1613, T replaced by C.
Protein change: p.Ile538Thr; replaces isoleucine 538 with threonine.
Molecular consequence: missense variant. On other transcripts: non-coding transcript variant (1).
Genome position (GRCh38, 1-based): chr11:17,442,737, A>G on the plus strand (T>C on the coding strand, the complement: ABCC8 is on the minus strand). VCF-style: chr11-17442737-A-G. GRCh37 (hg19) VCF-style: chr11-17464284-A-G.
Other names: c.1613T>C, p.Ile538Thr (NM_001287174.3, NM_001351295.2); c.1610T>C, p.Ile537Thr (NM_001351296.2, NM_001351297.2); short protein forms I538T, I537T.
Identifiers: ClinVar variation 303781 (VCV000303781.7), dbSNP rs886048054, ClinGen allele CA10637955.